The following is an entry in ClinVar:

ClinVar aggregate classification (germline): Uncertain significance. Review status: criteria provided, multiple submitters, no conflicts (2 of 4 stars). 3 submissions from 3 submitters: Uncertain significance (2). 1 of the submissions does not count toward it. Last evaluated 2026-04-22.

Conditions:
Hereditary cancer-predisposing syndrome. Also called: Neoplastic Syndromes, Hereditary; Hereditary neoplastic syndrome; Tumor predisposition; Hereditary Cancer Syndrome. Identifiers: Orphanet 140162, MedGen C0027672, MeSH D009386, MONDO:0015356.
Familial adenomatous polyposis 1 (FAP1). Also called: FAMILIAL ADENOMATOUS POLYPOSIS 1, ATTENUATED; POLYPOSIS, ADENOMATOUS INTESTINAL. Identifiers: MedGen C2713442, MONDO:0021056, OMIM 175100. Disease mechanism: loss of function.
Familial colorectal cancer. Identifiers: MedGen CN280943, MONDO:0023113. Disease mechanism: loss of function.

Submissions (3):

Ambry Genetics
Classification: Uncertain significance for Hereditary cancer-predisposing syndrome. Last evaluated: 2026-04-22. Review status: criteria provided, single submitter. Criteria: Ambry Variant Classification Scheme 2023. Collection method: clinical testing. Allele origin: germline.
Comment: The p.Q999K variant (also known as c.2995C>A), located in coding exon 15 of the APC gene, results from a C to A substitution at nucleotide position 2995. The glutamine at codon 999 is replaced by lysine, an amino acid with similar properties. This amino acid position is conserved. In addition, in silico predictors for this gene do not accurately predict pathogenicity. Based on the available evidence, the clinical significance of this variant remains unclear.

Labcorp Genetics (formerly Invitae), Labcorp
Classification: Uncertain significance for Familial adenomatous polyposis 1. Last evaluated: 2020-02-26. Review status: criteria provided, single submitter. Criteria: Invitae Variant Classification Sherloc (09022015). Collection method: clinical testing. Allele origin: germline.
Comment: In summary, the available evidence is currently insufficient to determine the role of this variant in disease. Therefore, it has been classified as a Variant of Uncertain Significance. Algorithms developed to predict the effect of missense changes on protein structure and function (SIFT, PolyPhen-2, Align-GVGD) all suggest that this variant is likely to be tolerated, but these predictions have not been confirmed by published functional studies and their clinical significance is uncertain. This variant has not been reported in the literature in individuals with APC-related conditions. ClinVar contains an entry for this variant (Variation ID: 82632). This variant is not present in population databases (ExAC no frequency). This sequence change replaces glutamine with lysine at codon 999 of the APC protein (p.Gln999Lys). The glutamine residue is highly conserved and there is a small physicochemical difference between glutamine and lysine.

Systems Biology Platform Zhejiang California International NanoSystems Institute
Classification: other for Familial colorectal cancer. Review status: no assertion criteria provided. Collection method: not provided. Allele origin: unknown. Not counted in ClinVar's aggregate classification.
ClinVar note: Converted during submission from cancer to other.

NM_000038.6(APC):c.2995C>A (p.Gln999Lys)

Gene: APC (APC regulator of Wnt signaling pathway; plus strand). Cytogenetic location: 5q22.2.
Variant type: single nucleotide variant.
Coding change: c.2995C>A on transcript NM_000038.6 (MANE Select); coding-DNA position 2995, C replaced by A.
Protein change: p.Gln999Lys; replaces glutamine 999 with lysine.
Molecular consequence: missense variant.
Genome position (GRCh38, 1-based): chr5:112,838,589, C>A. VCF-style: chr5-112838589-C-A. GRCh37 (hg19) VCF-style: chr5-112174286-C-A.
Other names: c.2995C>A, p.Gln999Lys (NM_001127510.3, NM_001354895.2); c.2941C>A, p.Gln981Lys (NM_001127511.3); c.3049C>A, p.Gln1017Lys (NM_001354896.2); c.3025C>A, p.Gln1009Lys (NM_001354897.2); c.2920C>A, p.Gln974Lys (NM_001354898.2); c.2911C>A, p.Gln971Lys (NM_001354899.2); c.2872C>A, p.Gln958Lys (NM_001354900.2); c.2818C>A, p.Gln940Lys (NM_001354901.2); and 6 more; short protein forms Q981K, Q999K, Q1017K, Q873K, Q908K, Q940K, Q971K, Q974K.
Identifiers: ClinVar variation 82632 (VCV000082632.13), dbSNP rs75239284, ClinGen allele CA007975.